The following is an entry in ClinVar:

NM_133433.4(NIPBL):c.7003C>T (p.Arg2335Trp)

Gene: NIPBL (NIPBL cohesin loading factor; plus strand). Cytogenetic location: 5p13.2.
Variant type: single nucleotide variant.
Coding change: c.7003C>T on transcript NM_133433.4 (MANE Select); coding-DNA position 7003, C replaced by T.
Protein change: p.Arg2335Trp; replaces arginine 2335 with tryptophan.
Molecular consequence: missense variant.
Genome position (GRCh38, 1-based): chr5:37,051,827, C>T. VCF-style: chr5-37051827-C-T. GRCh37 (hg19) VCF-style: chr5-37051929-C-T.
Other names: c.7003C>T, p.Arg2335Trp (NM_015384.5); c.7003C>T (NM_133433.3); short protein forms R2335W.
Identifiers: ClinVar variation 2503853 (VCV002503853.1), dbSNP rs997258635, ClinGen allele CA117051038.
Genomic context (GRCh38, chr5:37,051,827, plus strand): 5'-TTTTATTTCCAGTGTGTGCCATATTTAATTGCTATGGGCACAGACCCAGAACCTGCTATG[C>T]GGAACAAGGCTGATCAGCAACTTGTGGAAATAGACAAAAAATATGCTGGATTCATTCATG-3'
Protein context (NP_597677.2, residues 2325-2345): AMGTDPEPAM[Arg2335Trp]NKADQQLVEI

ClinVar aggregate classification (germline): Uncertain significance (1 of 4 stars; one submission).

Allele frequency attached by ClinVar (database versions not stated): TOPMed 0.00002.
gnomAD v4.1: 4 of 1,613,322 alleles (0.00025%); highest among the groups gnomAD compares: Non-Finnish European, 0.000085%; no homozygotes.

Submission:

Women's Health and Genetics/Laboratory Corporation of America, LabCorp
Classification: Uncertain significance. Last evaluated: 2023-04-20. Review status: criteria provided, single submitter. Criteria: LabCorp Variant Classification Summary - May 2015. Collection method: clinical testing. Allele origin: germline.
Comment: Variant summary: NIPBL c.7003C>T (p.Arg2335Trp) results in a non-conservative amino acid change located in the sister chromatid cohesion C-terminal domain (IPR024986) of the encoded protein sequence. Five of five in-silico tools predict a damaging effect of the variant on protein function. The variant was absent in 251266 control chromosomes (gnomAD). The available data on variant occurrences in the general population are insufficient to allow any conclusion about variant significance. To our knowledge, no occurrence of c.7003C>T in individuals affected with Cornelia De Lange Syndrome 1 and no experimental evidence demonstrating its impact on protein function have been reported. No clinical diagnostic laboratories have submitted clinical-significance assessments for this variant to ClinVar after 2014. Based on the evidence outlined above, the variant was classified as uncertain significance.